The following is an entry in ClinVar:

ClinVar aggregate classification (germline): Uncertain significance. Review status: criteria provided, multiple submitters, no conflicts (2 of 4 stars). 3 submissions from 3 submitters: Uncertain significance (3). Last evaluated 2024-10-24.

Conditions:
Inborn genetic diseases. Identifiers: MedGen C0950123, MeSH D030342.
Charcot-Marie-Tooth disease, type I (CMT1). Also called: Charcot-Marie-Tooth, Type 1; Charcot-Marie-Tooth disease type 1. Identifiers: Orphanet 65753, MedGen C0751036, MONDO:0019011.

Allele frequency attached by ClinVar (database versions not stated): gnomAD exomes 0.00001 and 0.00004; ExAC 0.00006; TOPMed 0.00012; gnomAD 0.00014 and 0.00015; 1000 Genomes Project 30x 0.00016; 1000 Genomes Project 0.00020; ESP Exome Variant Server 0.00023.
gnomAD v4.1: 41 of 1,614,190 alleles (0.0025%); highest among the groups gnomAD compares: African/African-American, 0.051%; no homozygotes.

Submissions (3):

Labcorp Genetics (formerly Invitae), Labcorp
Classification: Uncertain significance for Charcot-Marie-Tooth disease, type I. Last evaluated: 2024-10-24. Review status: criteria provided, single submitter. Criteria: Invitae Variant Classification Sherloc (09022015). Collection method: clinical testing. Allele origin: germline.
Comment: This sequence change replaces proline, which is neutral and non-polar, with serine, which is neutral and polar, at codon 148 of the EGR2 protein (p.Pro148Ser). This variant is present in population databases (rs147604283, gnomAD 0.06%). This missense change has been observed in individual(s) with Charcot-Marie-Tooth disease (internal data). ClinVar contains an entry for this variant (Variation ID: 195071). Invitae Evidence Modeling of protein sequence and biophysical properties (such as structural, functional, and spatial information, amino acid conservation, physicochemical variation, residue mobility, and thermodynamic stability) indicates that this missense variant is not expected to disrupt EGR2 protein function with a negative predictive value of 80%. In summary, the available evidence is currently insufficient to determine the role of this variant in disease. Therefore, it has been classified as a Variant of Uncertain Significance.

Ambry Genetics
Classification: Uncertain significance for Inborn genetic diseases. Last evaluated: 2021-09-20. Review status: criteria provided, single submitter. Criteria: Ambry Variant Classification Scheme 2023. Collection method: clinical testing. Allele origin: germline.
Comment: The p.P148S variant (also known as c.442C>T), located in coding exon 2 of the EGR2 gene, results from a C to T substitution at nucleotide position 442. The proline at codon 148 is replaced by serine, an amino acid with similar properties. This amino acid position is well conserved in available vertebrate species. In addition, this alteration is predicted to be tolerated by in silico analysis. Based on the supporting evidence, this variant is unlikely to be causative of autosomal dominant Charcot-Marie-Tooth disease, type 1D (CMT1D) and Dejerine-Sottas disease (DSS), however, its contribution to the development of the autosomal recessive spectrum of diseases is uncertain.

Eurofins Ntd Llc (ga)
Classification: Uncertain significance. Last evaluated: 2015-04-02. Review status: criteria provided, single submitter. Criteria: EGL Classification Definitions 2015. Collection method: clinical testing. Allele origin: germline. Observed: 1 variant allele, 1 heterozygote.

NM_000399.5(EGR2):c.442C>T (p.Pro148Ser)

Gene: EGR2 (early growth response 2; minus strand). Cytogenetic location: 10q21.3.
Variant type: single nucleotide variant.
Coding change: c.442C>T on transcript NM_000399.5 (MANE Select); coding-DNA position 442, C replaced by T.
Protein change: p.Pro148Ser; replaces proline 148 with serine.
Molecular consequence: missense variant.
Genome position (GRCh38, 1-based): chr10:62,814,196, G>A on the plus strand (C>T on the coding strand, the complement: EGR2 is on the minus strand). VCF-style: chr10-62814196-G-A. GRCh37 (hg19) VCF-style: chr10-64573956-G-A.
Other names: c.442C>T, p.Pro148Ser (NM_001136177.3, NM_001136178.2); c.292C>T, p.Pro98Ser (NM_001136179.3, NM_001321037.2); short protein forms P148S, P98S.
Identifiers: ClinVar variation 195071 (VCV000195071.17), dbSNP rs147604283, ClinGen allele CA241342.